The following is an entry in ClinVar:

NC_012920.1(MT-CO1):m.5961C>A

Gene: MT-CO1 (mitochondrially encoded cytochrome c oxidase I; plus strand).
Variant type: single nucleotide variant.
Genome position: chrM-5961-C-A.
Identifiers: ClinVar variation 692602 (VCV000692602.1), dbSNP rs1603220201, ClinGen allele CA414781003.
Genomic context (GRCh38, chrMT:5,961, plus strand): 5'-CTGATGTTCGCCGACCGTTGACTATTCTCTACAAACCACAAAGACATTGGAACACTATAC[C>A]TATTATTCGGCGCATGAGCTGGAGTCCTAGGCACAGCTCTAAGCCTCCTTATTCGAGCCG-3'

ClinVar aggregate classification (germline): Uncertain significance (1 of 4 stars; one submission).

Conditions:
Leigh syndrome (NULS). Also called: Leigh's necrotizing encephalopathy; Leigh's disease; Leigh Syndrome (mtDNA deletion); Leigh Disease; Subacute necrotizing encephalopathy; Necrotizing encephalopathy infantile subacute of Leigh. Identifiers: Orphanet 506, MedGen C2931891, MONDO:0009723, OMIM 256000.

Submission:

Wong Mito Lab, Molecular and Human Genetics, Baylor College of Medicine
Classification: Uncertain significance for Leigh syndrome. Last evaluated: 2019-10-17. Review status: criteria provided, single submitter. Criteria: Modified ACMG Guidelines (Unpublished). Collection method: clinical testing. Allele origin: germline.
Comment: The NC_012920.1:m.5961C>A (YP_003024028.1:p.Leu20Met) variant in MTCO1 gene is interpretated to be a Uncertain Significance variant based on the modified ACMG guidelines (unpublished). This variant meets the following evidence codes: PP4